The following is an entry in ClinVar:

ClinVar aggregate classification (germline): Uncertain significance. Review status: criteria provided, multiple submitters, no conflicts (2 of 4 stars). 3 submissions from 3 submitters: Uncertain significance (3). Last evaluated 2026-07-14.

Conditions:
OTOG-related disorder. Also called: OTOG-related condition.

gnomAD v4.1: 13 of 1,550,990 alleles (0.00084%); highest among the groups gnomAD compares: Admixed American, 0.022%; no homozygotes.

Submissions (3):

PreventionGenetics, part of Exact Sciences
Classification: Uncertain significance for OTOG-related condition. Last evaluated: 2026-07-14. Review status: criteria provided, single submitter. Criteria: ACMG Guidelines, 2015. Collection method: clinical testing. Allele origin: germline.
Comment: The OTOG c.7051G>C variant is predicted to result in the amino acid substitution p.Val2351Leu. To our knowledge, this variant has not been reported in the literature. This variant is reported in 0.020% of alleles in individuals of Latino descent in gnomAD. At this time, the clinical significance of this variant is uncertain due to the absence of conclusive functional and genetic evidence.

GeneDx
Classification: Uncertain significance. Last evaluated: 2022-10-28. Review status: criteria provided, single submitter. Criteria: GeneDx Variant Classification Process June 2021. Collection method: clinical testing. Allele origin: germline. Affected: yes.
Comment: In silico analysis supports that this missense variant has a deleterious effect on protein structure/function; Has not been previously published as pathogenic or benign to our knowledge

Labcorp Genetics (formerly Invitae), Labcorp
Classification: Uncertain significance. Last evaluated: 2022-01-18. Review status: criteria provided, single submitter. Criteria: Invitae Variant Classification Sherloc (09022015). Collection method: clinical testing. Allele origin: germline.
Comment: In summary, the available evidence is currently insufficient to determine the role of this variant in disease. Therefore, it has been classified as a Variant of Uncertain Significance. Algorithms developed to predict the effect of missense changes on protein structure and function are either unavailable or do not agree on the potential impact of this missense change (SIFT: "Tolerated"; PolyPhen-2: "Probably Damaging"; Align-GVGD: "Class C0"). This variant has not been reported in the literature in individuals affected with OTOG-related conditions. This variant is present in population databases (rs745715097, gnomAD 0.02%). This sequence change replaces valine, which is neutral and non-polar, with leucine, which is neutral and non-polar, at codon 2351 of the OTOG protein (p.Val2351Leu).

NM_001292063.2(OTOG):c.7015G>C (p.Val2339Leu)

Gene: OTOG (otogelin; plus strand). Cytogenetic location: 11p15.1.
Variant type: single nucleotide variant.
Coding change: c.7015G>C on transcript NM_001292063.2 (MANE Select); coding-DNA position 7015, G replaced by C.
Protein change: p.Val2339Leu; replaces valine 2339 with leucine.
Molecular consequence: missense variant.
Genome position (GRCh38, 1-based): chr11:17,632,169, G>C. VCF-style: chr11-17632169-G-C. GRCh37 (hg19) VCF-style: chr11-17653716-G-C.
Other names: c.7051G>C, p.Val2351Leu (NM_001277269.2); short protein forms V2339L, V2351L.
Identifiers: ClinVar variation 1712787 (VCV001712787.7), dbSNP rs745715097, ClinGen allele CA5906084.